The following is an entry in ClinVar:

NM_018136.5(ASPM):c.2947G>T (p.Glu983Ter)

Gene: ASPM (assembly factor for spindle microtubules; minus strand). Cytogenetic location: 1q31.3.
Variant type: single nucleotide variant.
Coding change: c.2947G>T on transcript NM_018136.5 (MANE Select); coding-DNA position 2947, G replaced by T.
Protein change: p.Glu983Ter; replaces glutamic acid 983 with a stop codon.
Molecular consequence: nonsense.
Genome position (GRCh38, 1-based): chr1:197,125,181, C>A on the plus strand (G>T on the coding strand, the complement: ASPM is on the minus strand). VCF-style: chr1-197125181-C-A. GRCh37 (hg19) VCF-style: chr1-197094311-C-A.
Other names: c.2947G>T, p.Glu983Ter (NM_001206846.2); short protein forms E983*.
Identifiers: ClinVar variation 816988 (VCV000816988.1), dbSNP rs1571616951, ClinGen allele CA344045999.

ClinVar aggregate classification (germline): Likely pathogenic (1 of 4 stars; one submission).

Submission:

GeneDx
Classification: Likely pathogenic. Last evaluated: 2019-03-13. Review status: criteria provided, single submitter. Criteria: GeneDx Variant Classification (06012015). Collection method: clinical testing. Allele origin: germline. Affected: yes.
Comment: A variant that is likely pathogenic has been identified in the ASPM gene. The E983X variant has not been published as a pathogenic variant, nor has it been reported as a benign variant to our knowledge. The E983X nonsense variant in the ASPM gene is predicted to cause loss of normal protein function either through protein truncation or nonsense-mediated mRNA decay. The E983X variant is not observed in large population cohorts (Lek et al., 2016). Therefore, this variant is likely pathogenic; however, the possibility that it is benign cannot be excluded.